The following is an entry in ClinVar:

ClinVar aggregate classification (germline): Pathogenic (1 of 4 stars; one submission).

Conditions:
Ataxia-telangiectasia syndrome (AT). Also called: Cerebello-oculocutaneous telangiectasia; Immunodeficiency with ataxia telangiectasia; Ataxia telangiectasia (A-T); Ataxia-telangiectasia, complementation group E; LOUIS-BAR SYNDROME; Ataxia-telangiectasia, complementation group D. Identifiers: Orphanet 100, MedGen C0004135, MONDO:0008840, OMIM 208900.

Submission:

Labcorp Genetics (formerly Invitae), Labcorp
Classification: Pathogenic for Ataxia-telangiectasia syndrome. Last evaluated: 2023-08-02. Review status: criteria provided, single submitter. Criteria: Invitae Variant Classification Sherloc (09022015). Collection method: clinical testing. Allele origin: germline.
Comment: This sequence change creates a premature translational stop signal (p.Arg309*) in the ATM gene. It is expected to result in an absent or disrupted protein product. Loss-of-function variants in ATM are known to be pathogenic (PMID: 23807571, 25614872). This variant is not present in population databases (gnomAD no frequency). This variant has not been reported in the literature in individuals affected with ATM-related conditions. For these reasons, this variant has been classified as Pathogenic.

Literature cited by the submitters: PubMed 23807571; PubMed 25614872.

NM_000051.4(ATM):c.925A>T (p.Arg309Ter)

Gene: ATM (ATM serine/threonine kinase; plus strand). Cytogenetic location: 11q22.3.
Variant type: single nucleotide variant.
Coding change: c.925A>T on transcript NM_000051.4 (MANE Select); coding-DNA position 925, A replaced by T.
Protein change: p.Arg309Ter; replaces arginine 309 with a stop codon.
Molecular consequence: nonsense.
Genome position (GRCh38, 1-based): chr11:108,246,987, A>T. VCF-style: chr11-108246987-A-T. GRCh37 (hg19) VCF-style: chr11-108117714-A-T.
Other names: c.925A>T, p.Arg309Ter (NM_001351834.2); short protein forms R309*.
Identifiers: ClinVar variation 2735741 (VCV002735741.3), dbSNP rs876659841, ClinGen allele CA382530627.